The following is an entry in ClinVar:

ClinVar aggregate classification (germline): Uncertain significance. Review status: criteria provided, multiple submitters, no conflicts (2 of 4 stars). 2 submissions from 2 submitters: Uncertain significance (2). Last evaluated 2023-04-04.

Conditions:
Intellectual developmental disorder with seizures and language delay (IDDSELD). Identifiers: MedGen C5436574, MONDO:0033559, OMIM 619000.

Submissions (2):

University of Washington Department of Laboratory Medicine, University of Washington
Classification: Uncertain significance for Intellectual developmental disorder with seizures and language delay. Last evaluated: 2023-04-04. Review status: criteria provided, single submitter. Criteria: ACMG Guidelines, 2015. Collection method: clinical testing. Allele origin: unknown. Affected: yes.
Comment: The c.273+2T>C variant in the SETD1B gene has not been previously reported in association with disease. This variant has been submitted to ClinVar (Variation ID: 2435853), and was absent from large population databases, including the Genome Aggregation Database. The c.273+2T>C variant alters the canonical donor splice site in intron 3, which is predicted to result in abnormal gene splicing. These predictions have not been tested directly. Heterozygous loss of function leading to haploinsufficiency of the SETD1B gene is an established mechanism of disease; however, splice variants have not been widely reported in affected individuals. Using ACMG guidelines, this variant was classified as a variant of uncertain significance (ACMG evidence codes used: PVS1_moderate, PM2_supporting).

Revvity Omics, Revvity
Classification: Uncertain significance for Intellectual developmental disorder with seizures and language delay. Last evaluated: 2021-11-01. Review status: criteria provided, single submitter. Criteria: ACMG Guidelines, 2015. Collection method: clinical testing. Allele origin: germline.

NM_001353345.2(SETD1B):c.273+2T>C

Gene: SETD1B (SET domain containing 1B, histone lysine methyltransferase; plus strand). Cytogenetic location: 12q24.31.
Variant type: single nucleotide variant.
Coding change: c.273+2T>C on transcript NM_001353345.2 (MANE Select); the canonical splice donor site of the intron after coding-DNA position 273, T replaced by C.
Molecular consequence: splice donor variant.
Genome position (GRCh38, 1-based): chr12:121,805,218, T>C. VCF-style: chr12-121805218-T-C. GRCh37 (hg19) VCF-style: chr12-122243124-T-C.
Other names: NM_015048.1:c.273+2T>C.
Identifiers: ClinVar variation 2435853 (VCV002435853.4), dbSNP rs2500165331, ClinGen allele CA386987551.